The following is an entry in ClinVar:

ClinVar aggregate classification (germline): Pathogenic. Review status: criteria provided, multiple submitters, no conflicts (2 of 4 stars). 3 submissions from 3 submitters: Pathogenic (3). Last evaluated 2025-05-19.

Conditions:
Neurofibromatosis, type 1 (NF1). Also called: Neurofibromatosis, type I; VON RECKLINGHAUSEN DISEASE; NEUROFIBROMATOSIS, TYPE I, SOMATIC; Peripheral type neurofibromatosis. Identifiers: Orphanet 636, MedGen C0027831, MONDO:0018975, OMIM 162200. Disease mechanism: loss of function.

Submissions (3):

Labcorp Genetics (formerly Invitae), Labcorp
Classification: Pathogenic for Neurofibromatosis, type 1. Last evaluated: 2025-05-19. Review status: criteria provided, single submitter. Criteria: Invitae Variant Classification Sherloc (09022015). Collection method: clinical testing. Allele origin: germline.
Comment: This sequence change affects a donor splice site in intron 51 of the NF1 gene. RNA analysis indicates that disruption of this splice site induces altered splicing and may result in an absent or altered protein product. This variant is not present in population databases (gnomAD no frequency). Disruption of this splice site has been observed in individual(s) with neurofibromatosis type 1 (PMID: 17311297, 19665063). ClinVar contains an entry for this variant (Variation ID: 2155112). Studies have shown that disruption of this splice site results in the inclusion of 39 nucleotides of intronic sequence and/or skipping of exon 50, and produces a non-functional protein and/or introduces a premature termination codon (PMID: 17311297). For these reasons, this variant has been classified as Pathogenic.

Quest Diagnostics Nichols Institute San Juan Capistrano
Classification: Pathogenic. Last evaluated: 2024-09-11. Review status: criteria provided, single submitter. Criteria: Quest Diagnostics criteria. Collection method: clinical testing. Allele origin: unknown.
Comment: The NF1 c.7675+1G>A variant disrupts a canonical splice-donor site and interferes with normal NF1 mRNA splicing. This variant has been reported in the published literature to cause exon skipping and the creation of a premature truncation codon (PMIDs: 19665063 (2009), 17311297 (2007)). Additionally, this variant has been seen in multiple individuals who meet NIH clinical criteria for a diagnosis of neurofibromatosis type 1 (NF1) (PMIDs: 19665063 (2009), 17311297 (2007)). This variant has not been reported in large, multi-ethnic general populations (Genome Aggregation Database). Based on the available information, this variant is classified as pathogenic.

GeneDx
Classification: Pathogenic. Last evaluated: 2022-08-30. Review status: criteria provided, single submitter. Criteria: GeneDx Variant Classification Process June 2021. Collection method: clinical testing. Allele origin: germline. Affected: yes.
Comment: A published functional study demonstrates aberrant splicing in patient-derived cells: insertion of the first 39 nucleotides of intron 51, leading to a premature stop codon, in the majority of transcripts or skipping of the in-frame exon 51 in the remaining transcripts (Wimmer et al., 2007); Canonical splice site variant predicted to result in a null allele in a gene for which loss of function is a known mechanism of disease; Not observed at significant frequency in large population cohorts (gnomAD); Also known as IVS43+1G>A; This variant is associated with the following publications: (PMID: 25525159, 25486365, 17311297, 19665063)

Literature cited by the submitters: PubMed 17311297 (cited by Labcorp Genetics (formerly Invitae), Labcorp and Quest Diagnostics Nichols Institute San Juan Capistrano); PubMed 19665063 (cited by Labcorp Genetics (formerly Invitae), Labcorp and Quest Diagnostics Nichols Institute San Juan Capistrano); PubMed 25525159 (cited by Quest Diagnostics Nichols Institute San Juan Capistrano).

NM_001042492.3(NF1):c.7738+1G>A

Gene: NF1 (neurofibromin 1; plus strand). Cytogenetic location: 17q11.2.
Variant type: single nucleotide variant.
Coding change: c.7738+1G>A on transcript NM_001042492.3 (MANE Select); the canonical splice donor site of the intron after coding-DNA position 7738, G replaced by A.
Molecular consequence: splice donor variant.
Genome position (GRCh38, 1-based): chr17:31,356,583, G>A. VCF-style: chr17-31356583-G-A. GRCh37 (hg19) VCF-style: chr17-29683601-G-A.
Other names: c.7675+1G>A (NM_000267.4).
Identifiers: ClinVar variation 2155112 (VCV002155112.6), dbSNP rs2151581382, ClinGen allele CA399018265.